The following is an entry in ClinVar:

ClinVar aggregate classification (germline): Pathogenic. Review status: criteria provided, multiple submitters, no conflicts (2 of 4 stars). 3 submissions from 3 submitters: Pathogenic (3). Last evaluated 2024-10-16.
ClinVar aggregate classification (oncogenicity): Likely oncogenic (1 of 4 stars; one submission).

Conditions:
Familial adenomatous polyposis 1 (FAP1). Also called: FAMILIAL ADENOMATOUS POLYPOSIS 1, ATTENUATED; POLYPOSIS, ADENOMATOUS INTESTINAL. Identifiers: MedGen C2713442, MONDO:0021056, OMIM 175100. Disease mechanism: loss of function.
Classic or attenuated familial adenomatous polyposis. Identifiers: MedGen CN372698, MONDO:0021057.
Neoplasm. Also called: Neoplasms; Neoplasm (disease); tumor. Identifiers: MedGen C0027651, MeSH D009369, MONDO:0005070, HP:0002664.

Submissions (4):

Center for Genomic Medicine, Rigshospitalet, Copenhagen University Hospital
Classification: Likely oncogenic for Neoplasm. Last evaluated: 2025-12-29. Review status: criteria provided, single submitter. Criteria: ClinGen/CGC/VICC Guidelines for Oncogenicity, 2022. Collection method: clinical testing. Allele origin: somatic. Affected: yes.

Labcorp Genetics (formerly Invitae), Labcorp
Classification: Pathogenic for Familial adenomatous polyposis 1. Last evaluated: 2024-10-16. Review status: criteria provided, single submitter. Criteria: Invitae Variant Classification Sherloc (09022015). Collection method: clinical testing. Allele origin: germline.
Comment: This sequence change creates a premature translational stop signal (p.Ser1356*) in the APC gene. While this is not anticipated to result in nonsense mediated decay, it is expected to disrupt the last 1488 amino acid(s) of the APC protein. This variant is not present in population databases (gnomAD no frequency). This premature translational stop signal has been observed in individual(s) with familial adenomatous polyposis (PMID: 26446593, 31802619). ClinVar contains an entry for this variant (Variation ID: 2583956). This variant is expected to disrupt the EB1 and HDLG binding sites, which mediate interactions with the cytoskeleton (PMID: 15311282, 17293347). While functional studies have not been performed to directly test the effect on APC protein function, this suggests that disruption of the C-terminal portion of the protein is functionally important. A different truncation (p.Tyr2645Lysfs*14) that lies downstream of this variant has been determined to be pathogenic (PMID: 9824584, 1316610, 27081525, 8381579, 22135120, internal data). This suggests that deletion of this region of the APC protein is causative of disease. For these reasons, this variant has been classified as Pathogenic.

All of Us Research Program, National Institutes of Health
Classification: Pathogenic for Classic or attenuated familial adenomatous polyposis. Last evaluated: 2023-11-20. Review status: criteria provided, single submitter. Criteria: ACMG Guidelines, 2015. Collection method: clinical testing. Allele origin: germline. Inheritance: Autosomal dominant inheritance. Observed: 1 variant allele, 1 heterozygote.
Comment: This variant changes 1 nucleotide in exon 16 of the APC gene, creating a premature translation stop signal. This variant is predicted to escape nonsense-mediated decay and be expressed as a truncated protein lacking the last 1488 amino acids. Although functional studies have not been reported, this variant is expected to disrupt beta-catenin binding; SAMP-repeats; basic domain; EB1 binding; HDLG binding (PMID: 23185543, 21858148). This variant has been reported in individuals affected with familial adenomatous polyposis (PMID: 26446593, 31802619). This variant has not been identified in the general population by the Genome Aggregation Database (gnomAD). Loss of APC function is a known mechanism of disease. Based on the available evidence, this variant is classified as Pathogenic.

This study involves interpretation of variants in research participants for the purpose of population health screening. Participant phenotype was not available at the time of variant classification. Additional details can be found in publication PMID: 35346344, PMCID: PMC8962531

Myriad Genetics, Inc.
Classification: Pathogenic for Familial adenomatous polyposis 1. Last evaluated: 2023-05-10. Review status: criteria provided, single submitter. Criteria: Myriad Autosomal Dominant, Autosomal Recessive and X-Linked Classification Criteria (2023). Collection method: clinical testing. Allele origin: unknown.
Comment: This variant is considered pathogenic. This variant creates a termination codon and is predicted to result in premature protein truncation.

Literature cited by the submitters: PubMed 18199528 (cited by Center for Genomic Medicine, Rigshospitalet, Copenhagen University Hospital); PubMed 10346819 (cited by Center for Genomic Medicine, Rigshospitalet, Copenhagen University Hospital); PubMed 26446593 (cited by Labcorp Genetics (formerly Invitae), Labcorp and All of Us Research Program, National Institutes of Health); PubMed 31802619 (cited by Labcorp Genetics (formerly Invitae), Labcorp and All of Us Research Program, National Institutes of Health); PubMed 15311282 (cited by Labcorp Genetics (formerly Invitae), Labcorp); PubMed 17293347 (cited by Labcorp Genetics (formerly Invitae), Labcorp); PubMed 9824584 (cited by Labcorp Genetics (formerly Invitae), Labcorp); PubMed 1316610 (cited by Labcorp Genetics (formerly Invitae), Labcorp); PubMed 27081525 (cited by Labcorp Genetics (formerly Invitae), Labcorp); PubMed 8381579 (cited by Labcorp Genetics (formerly Invitae), Labcorp); PubMed 22135120 (cited by Labcorp Genetics (formerly Invitae), Labcorp); PubMed 21858148 (cited by All of Us Research Program, National Institutes of Health); PubMed 23185543 (cited by All of Us Research Program, National Institutes of Health).

NM_000038.6(APC):c.4067C>A (p.Ser1356Ter)

Gene: APC (APC regulator of Wnt signaling pathway; plus strand). Cytogenetic location: 5q22.2.
Variant type: single nucleotide variant.
Coding change: c.4067C>A on transcript NM_000038.6 (MANE Select); coding-DNA position 4067, C replaced by A.
Protein change: p.Ser1356Ter; replaces serine 1356 with a stop codon.
Molecular consequence: nonsense. On other transcripts: non-coding transcript variant (2).
Genome position (GRCh38, 1-based): chr5:112,839,661, C>A. VCF-style: chr5-112839661-C-A. GRCh37 (hg19) VCF-style: chr5-112175358-C-A.
Other names: c.4067C>A, p.Ser1356Ter (NM_001127510.3, NM_001354895.2, NM_001407450.1); c.4013C>A, p.Ser1338Ter (NM_001127511.3); c.4121C>A, p.Ser1374Ter (NM_001354896.2, NM_001407447.1, NM_001407448.1 and 1 more transcripts); c.4097C>A, p.Ser1366Ter (NM_001354897.2); c.3992C>A, p.Ser1331Ter (NM_001354898.2); c.3983C>A, p.Ser1328Ter (NM_001354899.2); c.3944C>A, p.Ser1315Ter (NM_001354900.2); c.3890C>A, p.Ser1297Ter (NM_001354901.2, NM_001407453.1); and 11 more; short protein forms S1073*, S1196*, S1227*, S1230*, S1255*, S1265*, S1273*, S1297*.
Identifiers: ClinVar variation 2583956 (VCV002583956.5), dbSNP rs1554085480, ClinGen allele CA16030244.